The following is an entry in ClinVar:

ClinVar aggregate classification (germline): Pathogenic (1 of 4 stars; one submission).

Conditions:
Beta-D-mannosidosis (MANSB). Also called: MANNOSIDOSIS, BETA A, LYSOSOMAL; BETA-MANNOSIDASE DEFICIENCY; LYSOSOMAL BETA-MANNOSIDASE DEFICIENCY; Beta-Mannosidosis. Identifiers: Orphanet 118, MedGen C4048196, MONDO:0009562, OMIM 248510.

Submission:

Labcorp Genetics (formerly Invitae), Labcorp
Classification: Pathogenic for Beta-D-mannosidosis. Last evaluated: 2023-05-05. Review status: criteria provided, single submitter. Criteria: Invitae Variant Classification Sherloc (09022015). Collection method: clinical testing. Allele origin: germline.
Comment: Algorithms developed to predict the effect of sequence changes on RNA splicing suggest that this variant may disrupt the consensus splice site. For these reasons, this variant has been classified as Pathogenic. This variant has not been reported in the literature in individuals affected with MANBA-related conditions. This variant is not present in population databases (gnomAD no frequency). This sequence change creates a premature translational stop signal (p.Lys183*) in the MANBA gene. It is expected to result in an absent or disrupted protein product. Loss-of-function variants in MANBA are known to be pathogenic (PMID: 9384606, 12468273).

Literature cited by the submitters: PubMed 9384606; PubMed 12468273.

NM_005908.4(MANBA):c.547A>T (p.Lys183Ter)

Gene: MANBA (mannosidase beta; minus strand). Cytogenetic location: 4q24.
Variant type: single nucleotide variant.
Coding change: c.547A>T on transcript NM_005908.4 (MANE Select); coding-DNA position 547, A replaced by T.
Protein change: p.Lys183Ter; replaces lysine 183 with a stop codon.
Molecular consequence: nonsense.
Genome position (GRCh38, 1-based): chr4:102,722,873, T>A on the plus strand (A>T on the coding strand, the complement: MANBA is on the minus strand). VCF-style: chr4-102722873-T-A. GRCh37 (hg19) VCF-style: chr4-103644030-T-A.
Other names: short protein forms K183*.
Identifiers: ClinVar variation 2862227 (VCV002862227.3), dbSNP rs2476904924, ClinGen allele CA357957842.